The following is an entry in ClinVar:

ClinVar aggregate classification (germline): Uncertain significance (1 of 4 stars; one submission).

Conditions:
Kufor-Rakeb syndrome (KRS). Also called: PARKINSON DISEASE 9, AUTOSOMAL RECESSIVE, JUVENILE-ONSET. Identifiers: Orphanet 306674, Orphanet 314632, MedGen C1847640, MONDO:0011706, OMIM 606693.
Autosomal recessive spastic paraplegia type 78. Identifiers: Orphanet 513436, MedGen C5567893, MONDO:0014975, OMIM 617225.

Submission:

Labcorp Genetics (formerly Invitae), Labcorp
Classification: Uncertain significance for Kufor-Rakeb syndrome; Autosomal recessive spastic paraplegia type 78. Last evaluated: 2024-01-24. Review status: criteria provided, single submitter. Criteria: Invitae Variant Classification Sherloc (09022015). Collection method: clinical testing. Allele origin: germline.
Comment: This sequence change replaces glutamic acid, which is acidic and polar, with aspartic acid, which is acidic and polar, at codon 86 of the ATP13A2 protein (p.Glu86Asp). This variant is not present in population databases (gnomAD no frequency). This variant has not been reported in the literature in individuals affected with ATP13A2-related conditions. ClinVar contains an entry for this variant (Variation ID: 2114007). Advanced modeling of protein sequence and biophysical properties (such as structural, functional, and spatial information, amino acid conservation, physicochemical variation, residue mobility, and thermodynamic stability) performed at Invitae indicates that this missense variant is not expected to disrupt ATP13A2 protein function with a negative predictive value of 80%. In summary, the available evidence is currently insufficient to determine the role of this variant in disease. Therefore, it has been classified as a Variant of Uncertain Significance.

NM_022089.4(ATP13A2):c.258A>C (p.Glu86Asp)

Gene: ATP13A2 (ATPase cation transporting 13A2; minus strand). Cytogenetic location: 1p36.13.
Variant type: single nucleotide variant.
Coding change: c.258A>C on transcript NM_022089.4 (MANE Select); coding-DNA position 258, A replaced by C.
Protein change: p.Glu86Asp; replaces glutamic acid 86 with aspartic acid.
Molecular consequence: missense variant.
Genome position (GRCh38, 1-based): chr1:17,005,404, T>G on the plus strand (A>C on the coding strand, the complement: ATP13A2 is on the minus strand). VCF-style: chr1-17005404-T-G. GRCh37 (hg19) VCF-style: chr1-17331899-T-G.
Other names: c.258A>C, p.Glu86Asp (NM_001141973.3, NM_001141974.3); short protein forms E86D.
Identifiers: ClinVar variation 2114007 (VCV002114007.4), dbSNP rs775223241, ClinGen allele CA338264217.
Genomic context (GRCh38, chr1:17,005,404, plus strand): 5'-CTCTAGCCCCAGGCTCAGCCTGACTCTCACCTCTTTGTCTCTTATTTCGATAACGAGTGT[T>G]TCGGCGTGGGCCAGGTTGCAGGGCCGGAGCCGCAGCCGCACCCCCCACAGGGGCTTCCAA-3'
Protein context (NP_071372.1, residues 76-96): RLRPCNLAHA[Glu86Asp]TLVIEIRDKE